The following is an entry in ClinVar:

NM_152443.3(RDH12):c.444C>A (p.His148Gln)

Genes: RDH12 (retinol dehydrogenase 12; plus strand), GPHN (gephyrin; plus strand). Cytogenetic location: 14q24.1.
Variant type: single nucleotide variant.
Coding change: c.444C>A on transcript NM_152443.3 (MANE Select); coding-DNA position 444, C replaced by A.
Protein change: p.His148Gln; replaces histidine 148 with glutamine.
Molecular consequence: missense variant.
Genome position (GRCh38, 1-based): chr14:67,726,151, C>A. VCF-style: chr14-67726151-C-A. GRCh37 (hg19) VCF-style: chr14-68192868-C-A.
Other names: short protein forms H148Q.
Identifiers: ClinVar variation 2978017 (VCV002978017.3), dbSNP rs2503805155, ClinGen allele CA390150364.

ClinVar aggregate classification (germline): Uncertain significance (1 of 4 stars; one submission).

Conditions:
Leber congenital amaurosis 13 (LCA13). Identifiers: MedGen C2675186, MONDO:0012990, OMIM 612712.

Submission:

Labcorp Genetics (formerly Invitae), Labcorp
Classification: Uncertain significance for Leber congenital amaurosis 13. Last evaluated: 2023-01-11. Review status: criteria provided, single submitter. Criteria: Invitae Variant Classification Sherloc (09022015). Collection method: clinical testing. Allele origin: germline.
Comment: In summary, the available evidence is currently insufficient to determine the role of this variant in disease. Therefore, it has been classified as a Variant of Uncertain Significance. Advanced modeling of protein sequence and biophysical properties (such as structural, functional, and spatial information, amino acid conservation, physicochemical variation, residue mobility, and thermodynamic stability) performed at Invitae indicates that this missense variant is expected to disrupt RDH12 protein function. This variant has not been reported in the literature in individuals affected with RDH12-related conditions. This variant is not present in population databases (gnomAD no frequency). This sequence change replaces histidine, which is basic and polar, with glutamine, which is neutral and polar, at codon 148 of the RDH12 protein (p.His148Gln).